The following is an entry in ClinVar:

ClinVar aggregate classification (germline): Pathogenic/Likely pathogenic. Review status: criteria provided, multiple submitters, no conflicts (2 of 4 stars). 4 submissions from 4 submitters: Pathogenic (2); Likely pathogenic (2). Last evaluated 2025-09-21.

Conditions:
CEP290-related disorder. Also called: CEP290-related condition; CEP290-related disorders. Identifiers: MedGen CN239314.
Meckel-Gruber syndrome. Also called: Dysencephalia splachnocystica; DYSENCEPHALIA SPLANCHNOCYSTICA; GRUBER SYNDROME. Identifiers: Orphanet 564, MedGen C0265215, MONDO:0018921.
Joubert syndrome. Also called: JOUBERT-BOLTSHAUSER SYNDROME; Familial aplasia of the vermis. Identifiers: Orphanet 475, MedGen C5979921, MONDO:0018772.
Nephronophthisis. Also called: Juvenile Nephronophthisis. Identifiers: Orphanet 655, MedGen C0687120, MONDO:0019005, HP:0000090.
CEP290-related ciliopathy. Also called: CEP290 ciliopathy. Identifiers: MedGen CN305601, MONDO:0100451.
Bardet-Biedl syndrome 14 (BBS14). Identifiers: Orphanet 110, MedGen C2673874, MONDO:0014442, OMIM 615991.

Submissions (4):

Labcorp Genetics (formerly Invitae), Labcorp
Classification: Pathogenic for Joubert syndrome; Meckel-Gruber syndrome; Nephronophthisis. Last evaluated: 2025-09-21. Review status: criteria provided, single submitter. Criteria: Invitae Variant Classification Sherloc (09022015). Collection method: clinical testing. Allele origin: germline.
Comment: This sequence change creates a premature translational stop signal (p.Gln2342*) in the CEP290 gene. It is expected to result in an absent or disrupted protein product. Loss-of-function variants in CEP290 are known to be pathogenic (PMID: 16909394, 17345604, 20690115). This variant is not present in population databases (gnomAD no frequency). This variant has not been reported in the literature in individuals affected with CEP290-related conditions. ClinVar contains an entry for this variant (Variation ID: 2680578). Algorithms developed to predict the effect of sequence changes on RNA splicing suggest that this variant may disrupt the consensus splice site. For these reasons, this variant has been classified as Pathogenic.

Myriad Genetics, Inc.
Classification: Pathogenic for CEP290-related ciliopathy. Last evaluated: 2024-12-26. Review status: criteria provided, single submitter. Criteria: Myriad Autosomal Dominant, Autosomal Recessive and X-Linked Classification Criteria (2023). Collection method: clinical testing. Allele origin: unknown.
Comment: NM_025114.3(CEP290):c.7024C>T(Q2342*) is expected to be pathogenic in the context of CEP290-related disorders. This variant is predicted to lead to an abnormal or absent protein product due to the creation of a premature termination codon in CEP290, a gene where loss-of-function variants are known to be pathogenic. Please note: this variant was assessed in the context of healthy population screening.

Baylor Genetics
Classification: Likely pathogenic for Bardet-Biedl syndrome 14. Last evaluated: 2023-09-29. Review status: criteria provided, single submitter. Criteria: ACMG Guidelines, 2015. Collection method: clinical testing. Allele origin: unknown.

Blueprint Genetics
Classification: Likely pathogenic for CEP290-related disorders. Last evaluated: 2019-05-09. Review status: criteria provided, single submitter. Criteria: ACMG Guidelines, 2015. Collection method: clinical testing. Allele origin: germline. Affected: yes. Observed: 1 variant allele.

Literature cited by the submitters: PubMed 16909394 (cited by Labcorp Genetics (formerly Invitae), Labcorp); PubMed 17345604 (cited by Labcorp Genetics (formerly Invitae), Labcorp); PubMed 20690115 (cited by Labcorp Genetics (formerly Invitae), Labcorp).

NM_025114.4(CEP290):c.7024C>T (p.Gln2342Ter)

Gene: CEP290 (centrosomal protein 290; minus strand). Cytogenetic location: 12q21.32.
Variant type: single nucleotide variant.
Coding change: c.7024C>T on transcript NM_025114.4 (MANE Select); coding-DNA position 7024, C replaced by T.
Protein change: p.Gln2342Ter; replaces glutamine 2342 with a stop codon.
Molecular consequence: nonsense.
Genome position (GRCh38, 1-based): chr12:88,054,350, G>A on the plus strand (C>T on the coding strand, the complement: CEP290 is on the minus strand). VCF-style: chr12-88054350-G-A. GRCh37 (hg19) VCF-style: chr12-88448127-G-A.
Other names: short protein forms Q2342*.
Identifiers: ClinVar variation 2680578 (VCV002680578.4), dbSNP rs2499444300, ClinGen allele CA385975425.